The following is an entry in ClinVar:

ClinVar aggregate classification (germline): Uncertain significance. Review status: criteria provided, multiple submitters, no conflicts (2 of 4 stars). 5 submissions from 5 submitters: Uncertain significance (3). 2 of the submissions do not count toward it. Last evaluated 2026-08-14.

Conditions:
Myopathy, myofibrillar, 9, with early respiratory failure (MFM9). Also called: EDSTROM MYOPATHY; Hereditary myopathy with early respiratory failure; Myopathy, distal, with early respiratory failure, autosomal dominant; MYOPATHY, PROXIMAL, WITH EARLY RESPIRATORY MUSCLE INVOLVEMENT. Identifiers: Orphanet 178464, Orphanet 34521, MedGen C1863599, MONDO:0011362, OMIM 603689.
Dilated cardiomyopathy 1G (CMD1G). Identifiers: Orphanet 154, MedGen C1858763, MONDO:0011400, OMIM 604145.
Tibial muscular dystrophy (TMD). Also called: Udd Distal Myopathy – Tibial Muscular Dystrophy; UDD MYOPATHY; Tibial muscular dystrophy, tardive. Identifiers: Orphanet 609, MedGen C1838244, MONDO:0010870, OMIM 600334.
Hypertrophic cardiomyopathy 9. Also called: Familial hypertrophic cardiomyopathy 9. Identifiers: MedGen C1861065, MONDO:0013412, OMIM 613765.
Autosomal recessive limb-girdle muscular dystrophy type 2J (LGMDR10). Also called: Limb-girdle muscular dystrophy, type 2J; MUSCULAR DYSTROPHY, LIMB-GIRDLE, AUTOSOMAL RECESSIVE 10. Identifiers: Orphanet 140922, MedGen C1837342, MONDO:0012127, OMIM 608807.
Early-onset myopathy with fatal cardiomyopathy (CMYO5). Also called: Salih Myopathy; CONGENITAL MYOPATHY 5 WITH CARDIOMYOPATHY. Identifiers: Orphanet 289377, MedGen C2673677, MONDO:0012714, OMIM 611705. Disease mechanism: loss of function.
TTN-related disorder. Also called: TTN-related disorders; TTN-related condition; TTN-related disease.

Allele frequency attached by ClinVar (database versions not stated): gnomAD exomes 0.00002; TOPMed 0.00002; gnomAD 0.00003 and 0.00002; ExAC 0.00001.
gnomAD v4.1: 21 of 1,612,332 alleles (0.0013%); highest among the groups gnomAD compares: Middle Eastern, 0.016%; no homozygotes.

Submissions (5):

GeneDx
Classification: Uncertain significance. Last evaluated: 2026-08-14. Review status: criteria provided, single submitter. Criteria: GeneDx Variant Classification Process June 2021. Collection method: clinical testing. Allele origin: germline.
Comment: Not observed at significant frequency in large population cohorts (gnomAD); Missense variant in a gene in which most reported pathogenic variants are truncating/loss of function; Has not been previously published as pathogenic or benign to our knowledge; This variant is associated with the following publications: (PMID: 42478525)

PreventionGenetics, part of Exact Sciences
Classification: Uncertain significance for TTN-related condition. Last evaluated: 2026-02-27. Review status: criteria provided, single submitter. Criteria: ACMG Guidelines, 2015. Collection method: clinical testing. Allele origin: germline.
Comment: The TTN c.36142G>C variant is predicted to result in the amino acid substitution p.Val12048Leu. To our knowledge, this variant has not been reported in the literature. This variant is reported in 0.0058% of alleles in individuals of Latino descent in gnomAD. At this time, the clinical significance of this variant is uncertain due to the absence of conclusive functional and genetic evidence.

Fulgent Genetics
Classification: Uncertain significance for Tibial muscular dystrophy; Myopathy, myofibrillar, 9, with early respiratory failure; Dilated cardiomyopathy 1G; Autosomal recessive limb-girdle muscular dystrophy type 2J; Early-onset myopathy with fatal cardiomyopathy; Hypertrophic cardiomyopathy 9. Last evaluated: 2021-09-06. Review status: criteria provided, single submitter. Criteria: ACMG Guidelines, 2015. Collection method: clinical testing. Allele origin: unknown.

Clinical Genetics DNA and cytogenetics Diagnostics Lab, Erasmus MC, Erasmus Medical Center
Classification: Uncertain significance. Review status: no assertion criteria provided. Collection method: clinical testing. Allele origin: germline. Affected: yes. Study: VKGL Data-share Consensus. Not counted in ClinVar's aggregate classification.

Diagnostic Laboratory, Department of Genetics, University Medical Center Groningen
Classification: Uncertain significance. Review status: no assertion criteria provided. Collection method: clinical testing. Allele origin: germline. Affected: yes. Study: VKGL Data-share Consensus. Not counted in ClinVar's aggregate classification.

NM_001267550.2(TTN):c.36142G>C (p.Val12048Leu)

Gene: TTN (titin; minus strand). Cytogenetic location: 2q31.2.
Variant type: single nucleotide variant.
Coding change: c.36142G>C on transcript NM_001267550.2 (MANE Select); coding-DNA position 36142, G replaced by C.
Protein change: p.Val12048Leu; replaces valine 12048 with leucine.
Molecular consequence: missense variant. On other transcripts: intron variant (5).
Genome position (GRCh38, 1-based): chr2:178,664,714, C>G on the plus strand (G>C on the coding strand, the complement: TTN is on the minus strand). VCF-style: chr2-178664714-C-G. GRCh37 (hg19) VCF-style: chr2-179529441-C-G.
Other names: c.13283-22397G>C (NM_003319.4); c.13859-22397G>C (NM_133437.4); c.13658-22397G>C (NM_133432.3); c.31484-1659G>C (NM_133378.4); c.34265-1659G>C (NM_001256850.1); c.36142G>C (NM_001267550.1); short protein forms V12048L.
Identifiers: ClinVar variation 1175008 (VCV001175008.8), dbSNP rs768872042, ClinGen allele CA1997643.
Genomic context (GRCh38, chr2:178,664,714, plus strand): 5'-CTTCATCAGGAAGGACTTCAGGCTTTCTGAGAGGAACCACAAGCGTTTTCTTTTCAGGGA[C>G]AATTTCTTGGAGAGCTTCAGGCACTTTAAGAAATTAGTAGTTTTATGTTTAGTGTTATGC-3'
Protein context (NP_001254479.2, residues 12038-12058): VKVPEALQEI[Val12048Leu]PEKKTLVVPL